The following is an entry in ClinVar:

NM_012205.3(HAAO):c.641A>G (p.Tyr214Cys)

Gene: HAAO (3-hydroxyanthranilate 3,4-dioxygenase; minus strand). Cytogenetic location: 2p21.
Variant type: single nucleotide variant.
Coding change: c.641A>G on transcript NM_012205.3 (MANE Select); coding-DNA position 641, A replaced by G.
Protein change: p.Tyr214Cys; replaces tyrosine 214 with cysteine.
Molecular consequence: missense variant.
Genome position (GRCh38, 1-based): chr2:42,767,918, T>C on the plus strand (A>G on the coding strand, the complement: HAAO is on the minus strand). VCF-style: chr2-42767918-T-C. GRCh37 (hg19) VCF-style: chr2-42995058-T-C.
Other names: short protein forms Y214C.
Identifiers: ClinVar variation 3037735 (VCV003037735.3), dbSNP rs113019865, ClinGen allele CA1630925.
Genomic context (GRCh38, chr2:42,767,918, plus strand): 5'-GCCAGCTGCCACAGCCACACGTCCACATTCTGTCTCAGGCCTTCGCTGCTGCCTTGCCCA[T>C]AGGCGATCACCTGGTGGGAGGTGAAACAGAAACTTCTGGTGCTTCTTGCCCCACATGGGA-3'
Protein context (NP_036337.2, residues 204-224): GDTYETQVIA[Tyr214Cys]GQGSSEGLRQ

ClinVar aggregate classification (germline): Likely benign. Review status: criteria provided, single submitter (1 of 4 stars). 2 submissions from 2 submitters: Likely benign (1). 1 of the submissions does not count toward it. Last evaluated 2024-11-25.

Conditions:
HAAO-related disorder. Also called: HAAO-related condition.

Allele frequency attached by ClinVar (database versions not stated): 1000 Genomes Project 30x 0.00094; 1000 Genomes Project 0.00100; TOPMed 0.00164; ESP Exome Variant Server 0.00231; gnomAD 0.00236; ExAC 0.00254; gnomAD exomes 0.00254.
gnomAD v4.1: 4,016 of 1,613,784 alleles (0.25%); highest among the groups gnomAD compares: Non-Finnish European, 0.26%; 8 homozygotes.

Submissions (2):

Blueprint Genetics
Classification: Likely benign. Last evaluated: 2024-11-25. Review status: criteria provided, single submitter. Criteria: ACMG Guidelines, 2015. Collection method: clinical testing. Allele origin: germline.

PreventionGenetics, part of Exact Sciences
Classification: Benign for HAAO-related condition. Last evaluated: 2019-06-17. Review status: no assertion criteria provided. Collection method: clinical testing. Allele origin: germline. Not counted in ClinVar's aggregate classification.
Comment: This variant is classified as benign based on ACMG/AMP sequence variant interpretation guidelines (Richards et al. 2015 PMID: 25741868, with internal and published modifications).